The following is an entry in ClinVar:

NM_006231.4(POLE):c.400_401del (p.Val134fs)

Gene: POLE (DNA polymerase epsilon, catalytic subunit; minus strand). Cytogenetic location: 12q24.33.
Variant type: Deletion.
Coding change: c.400_401del on transcript NM_006231.4 (MANE Select); coding-DNA positions 400 to 401, 2 bases deleted (GT; older notation c.400_401delGT).
Protein change: p.Val134fs; shifts the reading frame from valine 134.
Molecular consequence: frameshift variant.
Genome position (GRCh38, 1-based): chr12:132,679,976-132,679,977, AC deleted on the plus strand (GT on the coding strand, the reverse complement: POLE is on the minus strand); deleting any 2 consecutive bases within chr12:132,679,976-132,679,978 gives the same sequence; the c. name uses the placement nearest the transcript's 3' end. VCF-style (leftmost placement, unchanged base first): chr12-132679975-GAC-G. GRCh37 (hg19) VCF-style: chr12-133256561-GAC-G.
Other names: short protein forms V134fs.
Identifiers: ClinVar variation 1487851 (VCV001487851.6), dbSNP rs2136028810, ClinGen allele CA2573148250.

ClinVar aggregate classification (germline): Pathogenic (1 of 4 stars; one submission).

Submission:

Labcorp Genetics (formerly Invitae), Labcorp
Classification: Pathogenic. Last evaluated: 2022-09-15. Review status: criteria provided, single submitter. Criteria: Invitae Variant Classification Sherloc (09022015). Collection method: clinical testing. Allele origin: germline.
Comment: ClinVar contains an entry for this variant (Variation ID: 1487851). This sequence change creates a premature translational stop signal (p.Val134Profs*69) in the POLE gene. It is expected to result in an absent or disrupted protein product. Loss-of-function variants in POLE are known to be pathogenic (PMID: 23230001, 25948378, 30503519). This variant is not present in population databases (gnomAD no frequency). This variant has not been reported in the literature in individuals affected with POLE-related conditions. RNA analysis performed to evaluate the impact of this premature translational stop signal on mRNA splicing indicates it does not significantly alter splicing (Invitae). For these reasons, this variant has been classified as Pathogenic.

Literature cited by the submitters: PubMed 23230001; PubMed 25948378; PubMed 30503519.